The following is an entry in ClinVar:

ClinVar aggregate classification (germline): Uncertain significance. Review status: criteria provided, multiple submitters, no conflicts (2 of 4 stars). 2 submissions from 2 submitters: Uncertain significance (2). Last evaluated 2024-10-03.

Conditions:
Inborn genetic diseases. Identifiers: MedGen C0950123, MeSH D030342.

Allele frequency attached by ClinVar (database versions not stated): gnomAD exomes 0.00001; TOPMed 0.00002; ExAC 0.00004; gnomAD 0.00006; 1000 Genomes Project 30x 0.00016.
gnomAD v4.1: 22 of 1,613,842 alleles (0.0014%); highest among the groups gnomAD compares: South Asian, 0.014%; no homozygotes.

Submissions (2):

Ambry Genetics
Classification: Uncertain significance for Inborn genetic diseases. Last evaluated: 2024-10-03. Review status: criteria provided, single submitter. Criteria: Ambry Variant Classification Scheme 2023. Collection method: clinical testing. Allele origin: germline.

Labcorp Genetics (formerly Invitae), Labcorp
Classification: Uncertain significance. Last evaluated: 2023-09-29. Review status: criteria provided, single submitter. Criteria: Invitae Variant Classification Sherloc (09022015). Collection method: clinical testing. Allele origin: germline.
Comment: Advanced modeling of protein sequence and biophysical properties (such as structural, functional, and spatial information, amino acid conservation, physicochemical variation, residue mobility, and thermodynamic stability) performed at Invitae indicates that this missense variant is not expected to disrupt INTU protein function. In summary, the available evidence is currently insufficient to determine the role of this variant in disease. Therefore, it has been classified as a Variant of Uncertain Significance. This sequence change replaces aspartic acid, which is acidic and polar, with glycine, which is neutral and non-polar, at codon 135 of the INTU protein (p.Asp135Gly). The frequency data for this variant in the population databases is considered unreliable, as metrics indicate poor data quality at this position in the gnomAD database. This variant has not been reported in the literature in individuals affected with INTU-related conditions.

NM_015693.4(INTU):c.404A>G (p.Asp135Gly)

Gene: INTU (inturned planar cell polarity protein; plus strand). Cytogenetic location: 4q28.1.
Variant type: single nucleotide variant.
Coding change: c.404A>G on transcript NM_015693.4 (MANE Select); coding-DNA position 404, A replaced by G.
Protein change: p.Asp135Gly; replaces aspartic acid 135 with glycine.
Molecular consequence: missense variant.
Genome position (GRCh38, 1-based): chr4:127,643,778, A>G. VCF-style: chr4-127643778-A-G. GRCh37 (hg19) VCF-style: chr4-128564933-A-G.
Other names: c.404A>G (NM_015693.3); short protein forms D135G.
Identifiers: ClinVar variation 3021149 (VCV003021149.4), dbSNP rs757940950, ClinGen allele CA3074781.